The following is an entry in ClinVar:

NM_015721.3(GEMIN4):c.2532G>A (p.Glu844=)

Gene: GEMIN4 (gem nuclear organelle associated protein 4; minus strand). Cytogenetic location: 17p13.3.
Variant type: single nucleotide variant.
Coding change: c.2532G>A on transcript NM_015721.3 (MANE Select); coding-DNA position 2532, G replaced by A.
Protein change: p.Glu844=; no amino-acid change (glutamic acid 844 retained).
Molecular consequence: synonymous variant.
Genome position (GRCh38, 1-based): chr17:745,511, C>T on the plus strand (G>A on the coding strand, the complement: GEMIN4 is on the minus strand). VCF-style: chr17-745511-C-T. GRCh37 (hg19) VCF-style: chr17-648751-C-T.
Identifiers: ClinVar variation 3053747 (VCV003053747.2), dbSNP rs201455772, ClinGen allele CA8262398.

ClinVar aggregate classification (germline): Likely benign (0 of 4 stars; one submission).

Conditions:
GEMIN4-related disorder. Also called: GEMIN4-related condition.

Allele frequency attached by ClinVar (database versions not stated): gnomAD exomes 0.00007; gnomAD 0.00011; TOPMed 0.00017; ExAC 0.00023; 1000 Genomes Project 30x 0.00062; 1000 Genomes Project 0.00080.
gnomAD v4.1: 127 of 1,612,182 alleles (0.0079%); highest among the groups gnomAD compares: East Asian, 0.21%; 1 homozygote.

Submission:

PreventionGenetics, part of Exact Sciences
Classification: Likely benign for GEMIN4-related condition. Last evaluated: 2019-08-30. Review status: no assertion criteria provided. Collection method: clinical testing. Allele origin: germline.
Comment: This variant is classified as likely benign based on ACMG/AMP sequence variant interpretation guidelines (Richards et al. 2015 PMID: 25741868, with internal and published modifications).